The following is an entry in ClinVar:

NC_000012.11:g.(6204751_6219539)_(6233842_?)del

Gene: VWF (von Willebrand factor; minus strand). Cytogenetic location: 12p13.31.
Variant type: Deletion.
Identifiers: ClinVar variation 1065232 (VCV001065232.3).

ClinVar aggregate classification (germline): Pathogenic (0 of 4 stars; one submission).

Conditions:
von Willebrand disease type 3 (VWD3). Also called: Type 3 Von Willebrand's disease; Type 3 VWD; Von Willebrand disease, severe form; V WD3; VON WILLEBRAND DISEASE, TYPE III. Identifiers: Orphanet 166096, MedGen C1264041, MONDO:0010191, OMIM 277480.

Submission:

Angelo Bianchi Bonomi Hemophilia and Thrombosis Center, Fondazione IRCCS Ca Granda Ospedale Maggiore Policlinico
Classification: Pathogenic for von Willebrand disease type 3. Last evaluated: 2021-04-12. Review status: no assertion criteria provided. Collection method: clinical testing. Allele origin: germline. Affected: yes. Study: Type 3 Von Willebrand International Registries Inhibitor Prospective Study (3WINTERS-IPS).
Comment: CNV Interpretation Scoring Rubric: Copy Number LOSS

Literature cited by the submitters: PubMed 21410641.